The following is an entry in ClinVar:

ClinVar aggregate classification (germline): Uncertain significance. Review status: criteria provided, multiple submitters, no conflicts (2 of 4 stars). 2 submissions from 2 submitters: Uncertain significance (2). Last evaluated 2025-03-18.

Allele frequency attached by ClinVar (database versions not stated): gnomAD exomes below 0.00001; TOPMed below 0.00001; gnomAD 0.00001.
gnomAD v4.1: 7 of 1,596,380 alleles (0.00044%); highest among the groups gnomAD compares: Non-Finnish European, 0.0006%; no homozygotes.

Submissions (2):

Ambry Genetics
Classification: Uncertain significance. Last evaluated: 2025-03-18. Review status: criteria provided, single submitter. Criteria: Ambry Variant Classification Scheme 2023. Collection method: clinical testing. Allele origin: germline.
Comment: The p.V488F variant (also known as c.1462G>T), located in coding exon 10 of the RINT1 gene, results from a G to T substitution at nucleotide position 1462. The valine at codon 488 is replaced by phenylalanine, an amino acid with highly similar properties. This amino acid position is conserved. In addition, the in silico prediction for this alteration is inconclusive. Since supporting evidence is limited at this time, the clinical significance of this alteration remains unclear.

Labcorp Genetics (formerly Invitae), Labcorp
Classification: Uncertain significance. Last evaluated: 2018-08-25. Review status: criteria provided, single submitter. Criteria: Invitae Variant Classification Sherloc (09022015). Collection method: clinical testing. Allele origin: germline.
Comment: This sequence change replaces valine with phenylalanine at codon 488 of the RINT1 protein (p.Val488Phe). The valine residue is moderately conserved and there is a small physicochemical difference between valine and phenylalanine. This variant is not present in population databases (ExAC no frequency). This variant has not been reported in the literature in individuals with RINT1-related disease. Algorithms developed to predict the effect of missense changes on protein structure and function are either unavailable or do not agree on the potential impact of this missense change (SIFT: "Deleterious"; PolyPhen-2: "Benign"; Align-GVGD: "Class C0"). In summary, the available evidence is currently insufficient to determine the role of this variant in disease. Therefore, it has been classified as a Variant of Uncertain Significance.

NM_021930.6(RINT1):c.1462G>T (p.Val488Phe)

Gene: RINT1 (RAD50 interactor 1; plus strand). Cytogenetic location: 7q22.3.
Variant type: single nucleotide variant.
Coding change: c.1462G>T on transcript NM_021930.6 (MANE Select); coding-DNA position 1462, G replaced by T.
Protein change: p.Val488Phe; replaces valine 488 with phenylalanine.
Molecular consequence: missense variant. On other transcripts: non-coding transcript variant (1).
Genome position (GRCh38, 1-based): chr7:105,551,698, G>T. VCF-style: chr7-105551698-G-T. GRCh37 (hg19) VCF-style: chr7-105192145-G-T.
Other names: c.1228G>T, p.Val410Phe (NM_001346599.2); c.439G>T, p.Val147Phe (NM_001346600.2, NM_001346603.2); c.538G>T, p.Val180Phe (NM_001346601.2); short protein forms V147F, V180F, V410F, V488F.
Identifiers: ClinVar variation 660242 (VCV000660242.12), dbSNP rs1586243751, ClinGen allele CA368810580.